The following is an entry in ClinVar:

NM_021098.3(CACNA1H):c.3359C>T (p.Pro1120Leu)

Gene: CACNA1H (calcium voltage-gated channel subunit alpha1 H; plus strand). Cytogenetic location: 16p13.3.
Variant type: single nucleotide variant.
Coding change: c.3359C>T on transcript NM_021098.3 (MANE Select); coding-DNA position 3359, C replaced by T.
Protein change: p.Pro1120Leu; replaces proline 1120 with leucine.
Molecular consequence: missense variant.
Genome position (GRCh38, 1-based): chr16:1,208,217, C>T. VCF-style: chr16-1208217-C-T. GRCh37 (hg19) VCF-style: chr16-1258217-C-T.
Other names: c.3359C>T, p.Pro1120Leu (NM_001005407.2); short protein forms P1120L.
Identifiers: ClinVar variation 2933348 (VCV002933348.3), dbSNP rs1431381776, ClinGen allele CA394172468.

ClinVar aggregate classification (germline): Uncertain significance (1 of 4 stars; one submission).

Conditions:
Hyperaldosteronism, familial, type IV (HALD4). Also called: FH IV; ALDOSTERONISM, PRIMARY, AND HYPERTENSION. Identifiers: Orphanet 642671, MedGen C4310756, MONDO:0014875, OMIM 617027.
Idiopathic generalized epilepsy. Also called: EIG; Generalised epilepsy. Identifiers: MedGen C0270850, MONDO:0005579, OMIM 600669.

gnomAD v4.1: 1 of 1,558,852 alleles (0.000064%); highest among the groups gnomAD compares: Admixed American, 0.0019%; no homozygotes.

Submission:

Labcorp Genetics (formerly Invitae), Labcorp
Classification: Uncertain significance for Idiopathic generalized epilepsy; Hyperaldosteronism, familial, type IV. Last evaluated: 2024-11-09. Review status: criteria provided, single submitter. Criteria: Invitae Variant Classification Sherloc (09022015). Collection method: clinical testing. Allele origin: germline.
Comment: This sequence change replaces proline, which is neutral and non-polar, with leucine, which is neutral and non-polar, at codon 1120 of the CACNA1H protein (p.Pro1120Leu). This variant is not present in population databases (gnomAD no frequency). This variant has not been reported in the literature in individuals affected with CACNA1H-related conditions. ClinVar contains an entry for this variant (Variation ID: 2933348). Invitae Evidence Modeling of protein sequence and biophysical properties (such as structural, functional, and spatial information, amino acid conservation, physicochemical variation, residue mobility, and thermodynamic stability) indicates that this missense variant is not expected to disrupt CACNA1H protein function with a negative predictive value of 80%. Experimental studies have shown that this missense change affects CACNA1H function (PMID: 36397158). In summary, the available evidence is currently insufficient to determine the role of this variant in disease. Therefore, it has been classified as a Variant of Uncertain Significance.

Literature cited by the submitters: PubMed 36397158.